The following is an entry in ClinVar:

ClinVar aggregate classification (germline): Likely benign. Review status: criteria provided, multiple submitters, no conflicts (2 of 4 stars). 3 submissions from 3 submitters: Likely benign (2). 1 of the submissions does not count toward it. Last evaluated 2024-11-27.

Conditions:
SLFN14-related disorder. Also called: SLFN14-related condition.

Allele frequency attached by ClinVar (database versions not stated): 1000 Genomes Project 30x 0.01296; 1000 Genomes Project 0.01298; ExAC 0.01322; gnomAD 0.01669; TOPMed 0.01694; ESP Exome Variant Server 0.01818.
gnomAD v4.1: 32,202 of 1,551,768 alleles (2.1%); highest among the groups gnomAD compares: Non-Finnish European, 2.4%; 374 homozygotes.

Submissions (3):

Blueprint Genetics
Classification: Likely benign. Last evaluated: 2024-11-27. Review status: criteria provided, single submitter. Criteria: ACMG Guidelines, 2015. Collection method: clinical testing. Allele origin: germline.

Mayo Clinic Laboratories, Mayo Clinic
Classification: Likely benign. Last evaluated: 2023-09-01. Review status: criteria provided, single submitter. Criteria: ACMG Guidelines, 2015. Collection method: clinical testing. Allele origin: germline. Observed: 23 variant alleles.
Comment: BS1, BP4

PreventionGenetics, part of Exact Sciences
Classification: Likely benign for SLFN14-related condition. Last evaluated: 2023-12-11. Review status: no assertion criteria provided. Collection method: clinical testing. Allele origin: germline. Not counted in ClinVar's aggregate classification.
Comment: This variant is classified as likely benign based on ACMG/AMP sequence variant interpretation guidelines (Richards et al. 2015 PMID: 25741868, with internal and published modifications).

NM_001129820.2(SLFN14):c.2309A>T (p.Tyr770Phe)

Gene: SLFN14 (schlafen family member 14; minus strand). Cytogenetic location: 17q12.
Variant type: single nucleotide variant.
Coding change: c.2309A>T on transcript NM_001129820.2 (MANE Select); coding-DNA position 2309, A replaced by T.
Protein change: p.Tyr770Phe; replaces tyrosine 770 with phenylalanine.
Molecular consequence: missense variant.
Genome position (GRCh38, 1-based): chr17:35,548,669, T>A on the plus strand (A>T on the coding strand, the complement: SLFN14 is on the minus strand). VCF-style: chr17-35548669-T-A. GRCh37 (hg19) VCF-style: chr17-33875688-T-A.
Other names: p.Tyr770Phe; short protein forms Y770F.
Identifiers: ClinVar variation 3038068 (VCV003038068.4), dbSNP rs78364481, ClinGen allele CA8504551.